The following is an entry in ClinVar:

ClinVar aggregate classification (germline): Likely benign. Review status: criteria provided, single submitter (1 of 4 stars). 2 submissions from 2 submitters: Likely benign (1). 1 of the submissions does not count toward it. Last evaluated 2024-12-03.

Conditions:
SLC24A5-related disorder. Also called: SLC24A5-related condition.

Allele frequency attached by ClinVar (database versions not stated): ExAC 0.00002; gnomAD 0.00003; TOPMed 0.00003; gnomAD exomes 0.00006; 1000 Genomes Project 0.00020; 1000 Genomes Project 30x 0.00031.
gnomAD v4.1: 88 of 1,613,632 alleles (0.0055%); highest among the groups gnomAD compares: African/African-American, 0.011%; no homozygotes.

Submissions (2):

Labcorp Genetics (formerly Invitae), Labcorp
Classification: Likely benign. Last evaluated: 2024-12-03. Review status: criteria provided, single submitter. Criteria: Invitae Variant Classification Sherloc (09022015). Collection method: clinical testing. Allele origin: germline.

PreventionGenetics, part of Exact Sciences
Classification: Likely benign for SLC24A5-related condition. Last evaluated: 2019-07-16. Review status: no assertion criteria provided. Collection method: clinical testing. Allele origin: germline. Not counted in ClinVar's aggregate classification.
Comment: This variant is classified as likely benign based on ACMG/AMP sequence variant interpretation guidelines (Richards et al. 2015 PMID: 25741868, with internal and published modifications).

NM_205850.3(SLC24A5):c.351C>T (p.Gly117=)

Gene: SLC24A5 (solute carrier family 24 member 5; plus strand). Cytogenetic location: 15q21.1.
Variant type: single nucleotide variant.
Coding change: c.351C>T on transcript NM_205850.3 (MANE Select); coding-DNA position 351, C replaced by T.
Protein change: p.Gly117=; no amino-acid change (glycine 117 retained).
Molecular consequence: synonymous variant.
Genome position (GRCh38, 1-based): chr15:48,134,307, C>T. VCF-style: chr15-48134307-C-T. GRCh37 (hg19) VCF-style: chr15-48426504-C-T.
Other names: c.351C>T (NM_205850.2).
Identifiers: ClinVar variation 2200746 (VCV002200746.5), dbSNP rs79561033, ClinGen allele CA7545846.